The following is an entry in ClinVar:

NM_006790.3(MYOT):c.683+1G>C

Genes: MYOT (myotilin; plus strand), PKD2L2-DT (PKD2L2 divergent transcript; minus strand). Cytogenetic location: 5q31.2.
Variant type: single nucleotide variant.
Coding change: c.683+1G>C on transcript NM_006790.3 (MANE Select); the canonical splice donor site of the intron after coding-DNA position 683, G replaced by C.
Molecular consequence: splice donor variant.
Genome position (GRCh38, 1-based): chr5:137,880,866, G>C. VCF-style: chr5-137880866-G-C. GRCh37 (hg19) VCF-style: chr5-137216555-G-C.
Other names: c.338+1G>C (NM_001300911.2); c.131+1G>C (NM_001135940.2).
Identifiers: ClinVar variation 1518300 (VCV001518300.8), dbSNP rs2149985981, ClinGen allele CA361054890.

ClinVar aggregate classification (germline): Uncertain significance (1 of 4 stars; one submission).

Conditions:
Myofibrillar myopathy 3 (MFM3). Also called: Autosomal dominant spheroid body myopathy; Muscular dystrophy, proximal, type 1A. Identifiers: Orphanet 266, Orphanet 268129, MedGen C3714934, MONDO:0012215, OMIM 609200.

Submission:

Labcorp Genetics (formerly Invitae), Labcorp
Classification: Uncertain significance for Myofibrillar myopathy 3. Last evaluated: 2021-03-26. Review status: criteria provided, single submitter. Criteria: Invitae Variant Classification Sherloc (09022015). Collection method: clinical testing. Allele origin: germline.
Comment: This sequence change affects a donor splice site in intron 5 of the MYOT gene. It is expected to disrupt RNA splicing. Variants that disrupt the donor or acceptor splice site typically lead to a loss of protein function (PMID: 16199547), however the current clinical and genetic evidence is not sufficient to establish whether loss-of-function variants in MYOT cause disease. This variant is not present in population databases (ExAC no frequency). This variant has not been reported in the literature in individuals with MYOT-related conditions. Algorithms developed to predict the effect of sequence changes on RNA splicing suggest that this variant may disrupt the consensus splice site, but this prediction has not been confirmed by published transcriptional studies. In summary, the available evidence is currently insufficient to determine the role of this variant in disease. Therefore, it has been classified as a Variant of Uncertain Significance.

Literature cited by the submitters: PubMed 16199547.